The following is an entry in ClinVar:

ClinVar aggregate classification (germline): Conflicting classifications of pathogenicity. Review status: criteria provided, conflicting classifications (1 of 4 stars). 2 submissions from 2 submitters: Uncertain significance (1); Likely benign (1). Last evaluated 2025-09-09.

Conditions:
Hereditary cancer-predisposing syndrome. Also called: Hereditary neoplastic syndrome; Hereditary Cancer Syndrome; Neoplastic Syndromes, Hereditary; Tumor predisposition. Identifiers: Orphanet 140162, MedGen C0027672, MeSH D009386, MONDO:0015356.
Familial adenomatous polyposis 2. Also called: MYH-associated polyposis; COLORECTAL ADENOMATOUS POLYPOSIS, AUTOSOMAL RECESSIVE; ADENOMAS, MULTIPLE COLORECTAL, AUTOSOMAL RECESSIVE; MUTYH-related attenuated familial adenomatous polyposis; Adenomas, multiple colorectal; FAP type 2. Identifiers: Orphanet 220460, Orphanet 247798, MedGen C3272841, MONDO:0012041, OMIM 608456.

Submissions (2):

Ambry Genetics
Classification: Likely benign for Hereditary cancer-predisposing syndrome. Last evaluated: 2025-09-09. Review status: criteria provided, single submitter. Criteria: Ambry Variant Classification Scheme 2023. Collection method: clinical testing. Allele origin: germline.

Labcorp Genetics (formerly Invitae), Labcorp
Classification: Uncertain significance for Familial adenomatous polyposis 2. Last evaluated: 2022-09-01. Review status: criteria provided, single submitter. Criteria: Invitae Variant Classification Sherloc (09022015). Collection method: clinical testing. Allele origin: germline.
Comment: Algorithms developed to predict the effect of missense changes on protein structure and function (SIFT, PolyPhen-2, Align-GVGD) all suggest that this variant is likely to be tolerated. In summary, the available evidence is currently insufficient to determine the role of this variant in disease. Therefore, it has been classified as a Variant of Uncertain Significance. ClinVar contains an entry for this variant (Variation ID: 483907). This variant has not been reported in the literature in individuals affected with MUTYH-related conditions. This variant is not present in population databases (gnomAD no frequency). This sequence change replaces proline, which is neutral and non-polar, with alanine, which is neutral and non-polar, at codon 430 of the MUTYH protein (p.Pro430Ala).

NM_001048174.2(MUTYH):c.1204C>G (p.Pro402Ala)

Gene: MUTYH (mutY DNA glycosylase; minus strand). Cytogenetic location: 1p34.1.
Variant type: single nucleotide variant.
Coding change: c.1204C>G on transcript NM_001048174.2 (MANE Select); coding-DNA position 1204, C replaced by G.
Protein change: p.Pro402Ala; replaces proline 402 with alanine.
Molecular consequence: missense variant. On other transcripts: non-coding transcript variant (2).
Genome position (GRCh38, 1-based): chr1:45,331,455, G>C on the plus strand (C>G on the coding strand, the complement: MUTYH is on the minus strand). VCF-style: chr1-45331455-G-C. GRCh37 (hg19) VCF-style: chr1-45797127-G-C.
Other names: c.1204C>G, p.Pro402Ala (NM_001048171.2, NM_001048173.2, NM_001293195.2); c.1207C>G, p.Pro403Ala (NM_001048172.2); c.1288C>G, p.Pro430Ala (NM_001128425.2); c.1249C>G, p.Pro417Ala (NM_001293190.2); c.1237C>G, p.Pro413Ala (NM_001293191.2); c.928C>G, p.Pro310Ala (NM_001293192.2, NM_001293196.2); c.859C>G, p.Pro287Ala (NM_001350650.2, NM_001350651.2); c.1279C>G, p.Pro427Ala (NM_012222.3); short protein forms P430A, P427A, P287A, P310A, P402A, P417A, P413A, P403A.
Identifiers: ClinVar variation 483907 (VCV000483907.15), dbSNP rs1553125687, ClinGen allele CA340132888.